The following is an entry in ClinVar:

NM_000283.4(PDE6B):c.1833G>C (p.Lys611Asn)

Gene: PDE6B (phosphodiesterase 6B; plus strand). Cytogenetic location: 4p16.3.
Variant type: single nucleotide variant.
Coding change: c.1833G>C on transcript NM_000283.4 (MANE Select); coding-DNA position 1833, G replaced by C.
Protein change: p.Lys611Asn; replaces lysine 611 with asparagine.
Molecular consequence: missense variant.
Genome position (GRCh38, 1-based): chr4:663,100, G>C. VCF-style: chr4-663100-G-C. GRCh37 (hg19) VCF-style: chr4-656889-G-C.
Other names: c.1833G>C, p.Lys611Asn (NM_001145291.2); c.996G>C, p.Lys332Asn (NM_001145292.2, NM_001350154.3, NM_001379246.1 and 1 more transcripts); c.678G>C, p.Lys226Asn (NM_001350155.3); short protein forms K226N, K332N, K611N.
Identifiers: ClinVar variation 1716584 (VCV001716584.5), dbSNP rs1444045851, ClinGen allele CA355917718.

ClinVar aggregate classification (germline): Uncertain significance (1 of 4 stars; one submission).

gnomAD v4.1: 1 of 1,599,360 alleles (0.000063%); no homozygotes.

Submission:

Labcorp Genetics (formerly Invitae), Labcorp
Classification: Uncertain significance. Last evaluated: 2022-11-08. Review status: criteria provided, single submitter. Criteria: Invitae Variant Classification Sherloc (09022015). Collection method: clinical testing. Allele origin: germline.
Comment: This sequence change replaces lysine, which is basic and polar, with asparagine, which is neutral and polar, at codon 611 of the PDE6B protein (p.Lys611Asn). This variant is not present in population databases (gnomAD no frequency). This variant has not been reported in the literature in individuals affected with PDE6B-related conditions. Algorithms developed to predict the effect of missense changes on protein structure and function (SIFT, PolyPhen-2, Align-GVGD) all suggest that this variant is likely to be tolerated. In summary, the available evidence is currently insufficient to determine the role of this variant in disease. Therefore, it has been classified as a Variant of Uncertain Significance.